The following is an entry in ClinVar:

ClinVar aggregate classification (germline): Conflicting classifications of pathogenicity. Review status: criteria provided, conflicting classifications (1 of 4 stars). 4 submissions from 4 submitters: Uncertain significance (3); Benign (1). Last evaluated 2024-05-29.

Conditions:
ARID1B-Related Disorder. Identifiers: MedGen CN381337.
Inborn genetic diseases. Identifiers: MedGen C0950123, MeSH D030342.
Coffin-Siris syndrome 1 (CSS1). Also called: Mental retardation, autosomal dominant 12; ARID1B-Related Coffin-Siris Syndrome. Identifiers: Orphanet 1465, MedGen C3281201, MONDO:0007617, OMIM 135900. Disease mechanism: gain of function.

Allele frequency attached by ClinVar (database versions not stated): ExAC 0.00001; gnomAD 0.00001; gnomAD exomes 0.00001; TOPMed 0.00002.
gnomAD v4.1: 19 of 1,585,054 alleles (0.0012%); highest among the groups gnomAD compares: East Asian, 0.011%; no homozygotes.

Submissions (4):

Labcorp Genetics (formerly Invitae), Labcorp
Classification: Benign. Last evaluated: 2024-05-29. Review status: criteria provided, single submitter. Criteria: Invitae Variant Classification Sherloc (09022015). Collection method: clinical testing. Allele origin: germline.

PreventionGenetics, part of Exact Sciences
Classification: Uncertain significance for ARID1B-related condition. Last evaluated: 2023-09-12. Review status: criteria provided, single submitter. Criteria: ACMG Guidelines, 2015. Collection method: clinical testing. Allele origin: germline.
Comment: The ARID1B c.4010G>A variant is predicted to result in the amino acid substitution p.Arg1337Gln. To our knowledge, this variant has not been reported in the literature. This variant is reported in 0.0061% of alleles in individuals of East Asian descent in gnomAD, including two individuals from the non-neuro sub-population. At this time, the clinical significance of this variant is uncertain due to the absence of conclusive functional and genetic evidence.

Revvity Omics, Revvity
Classification: Uncertain significance for Coffin-Siris syndrome 1. Last evaluated: 2021-08-06. Review status: criteria provided, single submitter. Criteria: ACMG Guidelines, 2015. Collection method: clinical testing. Allele origin: germline.

Ambry Genetics
Classification: Uncertain significance for Inborn genetic diseases. Last evaluated: 2016-09-06. Review status: criteria provided, single submitter. Criteria: Ambry Variant Classification Scheme 2023. Collection method: clinical testing. Allele origin: germline.
Comment: The p.R1337Q variant (also known as c.4010G>A), located in coding exon 16 of the ARID1B gene, results from a G to A substitution at nucleotide position 4010. The arginine at codon 1337 is replaced by glutamine, an amino acid with highly similar properties. This variant was not reported in population based cohorts in the following databases: Database of Single Nucleotide Polymorphisms (dbSNP), NHLBI Exome Sequencing Project (ESP), and 1000 Genomes Project. In the ESP, this variant was not observed in 6499 samples (12998 alleles) with coverage at this position. This amino acid position is highly conserved in available vertebrate species. In addition, the in silico prediction for this alteration is inconclusive. Since supporting evidence is limited at this time, the clinical significance of this variant remains unclear.

NM_001374828.1(ARID1B):c.4379G>A (p.Arg1460Gln)

Gene: ARID1B (AT-rich interaction domain 1B; plus strand). Cytogenetic location: 6q25.3.
Variant type: single nucleotide variant.
Coding change: c.4379G>A on transcript NM_001374828.1 (MANE Select); coding-DNA position 4379, G replaced by A.
Protein change: p.Arg1460Gln; replaces arginine 1460 with glutamine.
Molecular consequence: missense variant.
Genome position (GRCh38, 1-based): chr6:157,196,312, G>A. VCF-style: chr6-157196312-G-A. GRCh37 (hg19) VCF-style: chr6-157517446-G-A.
Other names: c.4010G>A, p.Arg1337Gln (NM_020732.3); c.1880G>A, p.Arg627Gln (NM_001363725.2); c.4259G>A, p.Arg1420Gln (NM_001371656.1, NM_001374820.1); c.4220G>A, p.Arg1407Gln (NM_017519.3); short protein forms R1337Q, R627Q, R1407Q, R1420Q, R1460Q.
Identifiers: ClinVar variation 588248 (VCV000588248.10), dbSNP rs761133847, ClinGen allele CA4067605.
Genomic context (GRCh38, chr6:157,196,312, plus strand): 5'-CAATGTCTAACCTGGGCATGGGGCAGCGCCAGCAGTTTCCCTATGGAGCCAGTTACGACC[G>A]AAGGTGAGTATTTTTTAAGATGACAATATGATGATTTACTAGAAACCGTGCTTTCCTCAC-3'
Protein context (NP_001361757.1, residues 1450-1470): QQFPYGASYD[Arg1460Gln]RHEPYGQQYP